The following is an entry in ClinVar:

NM_001082486.2(ACD):c.-17T>A

Gene: ACD (ACD shelterin complex subunit and telomerase recruitment factor; minus strand). Cytogenetic location: 16q22.1.
Variant type: single nucleotide variant.
Coding change: c.-17T>A on transcript NM_001082486.2 (MANE Select); 17 bases upstream of the start codon, T replaced by A.
Molecular consequence: 5 prime UTR variant.
Genome position (GRCh38, 1-based): chr16:67,660,237, A>T on the plus strand (T>A on the coding strand, the complement: ACD is on the minus strand). VCF-style: chr16-67660237-A-T. GRCh37 (hg19) VCF-style: chr16-67694140-A-T.
Other names: c.-17T>A (NM_001410884.1, NM_022914.3).
Identifiers: ClinVar variation 1791152 (VCV001791152.2), dbSNP rs2052979325, ClinGen allele CA396359282.

ClinVar aggregate classification (germline): Uncertain significance (1 of 4 stars; one submission).

Conditions:
Inborn genetic diseases. Identifiers: MedGen C0950123, MeSH D030342.

Allele frequency attached by ClinVar (database versions not stated): gnomAD exomes below 0.00001.

Submission:

Ambry Genetics
Classification: Uncertain significance for Inborn genetic diseases. Last evaluated: 2022-10-30. Review status: criteria provided, single submitter. Criteria: Ambry Variant Classification Scheme 2023. Collection method: clinical testing. Allele origin: germline.
Comment: The p.L81Q variant (also known as c.242T>A), located in coding exon 1 of the ACD gene, results from a T to A substitution at nucleotide position 242. The leucine at codon 81 is replaced by glutamine, an amino acid with dissimilar properties. This amino acid position is conserved. In addition, this alteration is predicted to be tolerated by in silico analysis. Since supporting evidence is limited at this time, the clinical significance of this alteration remains unclear.